The following is an entry in ClinVar:

ClinVar aggregate classification (germline): Pathogenic (1 of 4 stars; one submission).

Conditions:
Baller-Gerold syndrome (BGS). Also called: CRANIOSYNOSTOSIS WITH RADIAL DEFECTS. Identifiers: Orphanet 1225, MedGen C0265308, MONDO:0009039, OMIM 218600.

Submission:

Labcorp Genetics (formerly Invitae), Labcorp
Classification: Pathogenic for Baller-Gerold syndrome. Last evaluated: 2020-05-01. Review status: criteria provided, single submitter. Criteria: Invitae Variant Classification Sherloc (09022015). Collection method: clinical testing. Allele origin: germline.
Comment: For these reasons, this variant has been classified as Pathogenic. This sequence change creates a premature translational stop signal (p.Pro140Glnfs*40) in the RECQL4 gene. It is expected to result in an absent or disrupted protein product. This variant is not present in population databases (ExAC no frequency). This variant has not been reported in the literature in individuals with RECQL4-related conditions. ClinVar contains an entry for this variant (Variation ID: 810338). Loss-of-function variants in RECQL4 are known to be pathogenic (PMID: 12734318, 12952869).

Literature cited by the submitters: PubMed 12734318; PubMed 12952869.

NM_004260.4(RECQL4):c.419del (p.Pro140fs)

Gene: RECQL4 (RecQ like helicase 4; minus strand). Cytogenetic location: 8q24.3.
Variant type: Deletion.
Coding change: c.419del on transcript NM_004260.4 (MANE Select); coding-DNA position 419, one base deleted (C; older notation c.419delC).
Protein change: p.Pro140fs; shifts the reading frame from proline 140.
Molecular consequence: frameshift variant.
Genome position (GRCh38, 1-based): chr8:144,516,700, G deleted on the plus strand (C on the coding strand, the reverse complement: RECQL4 is on the minus strand); the first of 4 consecutive G bases (chr8:144,516,700-144,516,703); deleting any one gives the same sequence. VCF-style (leftmost placement, unchanged base first): chr8-144516699-TG-T. GRCh37 (hg19) VCF-style: chr8-145742083-TG-T.
Other names: short protein forms P140fs.
Identifiers: ClinVar variation 810338 (VCV000810338.16), dbSNP rs1406864413, ClinGen allele CA586165544.